The following is an entry in ClinVar:

ClinVar aggregate classification (germline): Likely benign. Review status: criteria provided, multiple submitters, no conflicts (2 of 4 stars). 2 submissions from 2 submitters: Likely benign (2). Last evaluated 2026-02-01.

Allele frequency attached by ClinVar (database versions not stated): gnomAD exomes 0.00001; TOPMed 0.00002; 1000 Genomes Project 0.00020; 1000 Genomes Project 30x 0.00031.
gnomAD v4.1: 17 of 1,613,994 alleles (0.0011%); highest among the groups gnomAD compares: Admixed American, 0.005%; no homozygotes.

Submissions (2):

Labcorp Genetics (formerly Invitae), Labcorp
Classification: Likely benign. Last evaluated: 2026-02-01. Review status: criteria provided, single submitter. Criteria: Invitae Variant Classification Sherloc (09022015). Collection method: clinical testing. Allele origin: germline.

GeneDx
Classification: Likely benign. Last evaluated: 2017-10-13. Review status: criteria provided, single submitter. Criteria: GeneDx Variant Classification (06012015). Collection method: clinical testing. Allele origin: germline. Affected: yes.
Comment: This variant is considered likely benign or benign based on one or more of the following criteria: it is a conservative change, it occurs at a poorly conserved position in the protein, it is predicted to be benign by multiple in silico algorithms, and/or has population frequency not consistent with disease.

NM_001042545.2(LTBP4):c.2985C>T (p.His995=)

Gene: LTBP4 (latent transforming growth factor beta binding protein 4; plus strand). Cytogenetic location: 19q13.2.
Variant type: single nucleotide variant.
Coding change: c.2985C>T on transcript NM_001042545.2 (MANE Select); coding-DNA position 2985, C replaced by T.
Protein change: p.His995=; no amino-acid change (histidine 995 retained).
Molecular consequence: synonymous variant.
Genome position (GRCh38, 1-based): chr19:40,617,140, C>T. VCF-style: chr19-40617140-C-T. GRCh37 (hg19) VCF-style: chr19-41123046-C-T.
Other names: c.3186C>T, p.His1062= (NM_001042544.1); c.3075C>T, p.His1025= (NM_003573.2).
Identifiers: ClinVar variation 512701 (VCV000512701.4), dbSNP rs566212619, ClinGen allele CA308456521.